The following is an entry in ClinVar:

NM_153033.5(KCTD7):c.368G>T (p.Arg123Leu)

Gene: KCTD7 (potassium channel tetramerization domain containing 7; plus strand). Cytogenetic location: 7q11.21.
Variant type: single nucleotide variant.
Coding change: c.368G>T on transcript NM_153033.5 (MANE Select); coding-DNA position 368, G replaced by T.
Protein change: p.Arg123Leu; replaces arginine 123 with leucine.
Molecular consequence: missense variant.
Genome position (GRCh38, 1-based): chr7:66,638,306, G>T. VCF-style: chr7-66638306-G-T. GRCh37 (hg19) VCF-style: chr7-66103293-G-T.
Other names: c.368G>T, p.Arg123Leu (NM_001167961.2); short protein forms R123L.
Identifiers: ClinVar variation 1196485 (VCV001196485.2), dbSNP rs764148503, ClinGen allele CA367696215.

ClinVar aggregate classification (germline): Uncertain significance (1 of 4 stars; one submission).

Submission:

GeneDx
Classification: Uncertain significance. Last evaluated: 2019-08-30. Review status: criteria provided, single submitter. Criteria: GeneDx Variant Classification Process June 2021. Collection method: clinical testing. Allele origin: germline. Affected: yes.
Comment: Not observed in large population cohorts (Lek et al., 2016); In silico analysis, which includes protein predictors and evolutionary conservation, supports that this variant does not alter protein structure/function; Has not been previously published as pathogenic or benign to our knowledge